The following is an entry in ClinVar:

ClinVar aggregate classification (germline): Likely pathogenic (1 of 4 stars; one submission).

Allele frequency attached by ClinVar (database versions not stated): gnomAD exomes below 0.00001; ExAC 0.00001.

Submission:

Labcorp Genetics (formerly Invitae), Labcorp
Classification: Likely pathogenic. Last evaluated: 2026-01-21. Review status: criteria provided, single submitter. Criteria: Invitae Variant Classification Sherloc (09022015). Collection method: clinical testing. Allele origin: germline.
Comment: This sequence change affects a donor splice site in intron 16 of the LIFR gene. It is expected to disrupt RNA splicing. Variants that disrupt the donor or acceptor splice site typically lead to a loss of protein function (PMID: 16199547), and loss-of-function variants in LIFR are known to be pathogenic (PMID: 14740318). This variant is present in population databases (rs772217684, gnomAD 0.003%). This variant has not been reported in the literature in individuals affected with LIFR-related conditions. ClinVar contains an entry for this variant (Variation ID: 957905). Algorithms developed to predict the effect of sequence changes on RNA splicing suggest that this variant may disrupt the consensus splice site. In summary, the currently available evidence indicates that the variant is pathogenic, but additional data are needed to prove that conclusively. Therefore, this variant has been classified as Likely Pathogenic.

Literature cited by the submitters: PubMed 16199547; PubMed 14740318.

NM_001127671.2(LIFR):c.2335+1G>A

Gene: LIFR (LIF receptor subunit alpha; minus strand). Cytogenetic location: 5p13.1.
Variant type: single nucleotide variant.
Coding change: c.2335+1G>A on transcript NM_001127671.2 (MANE Select); the canonical splice donor site of the intron after coding-DNA position 2335, G replaced by A.
Molecular consequence: splice donor variant.
Genome position (GRCh38, 1-based): chr5:38,489,077, C>T on the plus strand (G>A on the coding strand, the complement: LIFR is on the minus strand). VCF-style: chr5-38489077-C-T. GRCh37 (hg19) VCF-style: chr5-38489179-C-T.
Other names: c.2335+1G>A (NM_002310.6, NM_001364298.2, NM_001364297.2).
Identifiers: ClinVar variation 957905 (VCV000957905.8), dbSNP rs772217684, ClinGen allele CA3242701.
Genomic context (GRCh38, chr5:38,489,077, plus strand): 5'-TCTGTTGTGGTTAATGAGAAACTTCTAAGAAACACTTTCCTTGTGCTATCAATTTACTCA[C>T]CTGATTCTAAAACCCTCATCTTAGATGTGTCTCTTTCTCCTTTTCCAAAGTAAAACAAAT-3'